The following is an entry in ClinVar:

NM_014956.5(CEP164):c.4288C>T (p.Pro1430Ser)

Gene: CEP164 (centrosomal protein 164; plus strand). Cytogenetic location: 11q23.3.
Variant type: single nucleotide variant.
Coding change: c.4288C>T on transcript NM_014956.5 (MANE Select); coding-DNA position 4288, C replaced by T.
Protein change: p.Pro1430Ser; replaces proline 1430 with serine.
Molecular consequence: missense variant.
Genome position (GRCh38, 1-based): chr11:117,412,073, C>T. VCF-style: chr11-117412073-C-T. GRCh37 (hg19) VCF-style: chr11-117282789-C-T.
Other names: c.4273C>T, p.Pro1425Ser (NM_001271933.2); short protein forms P1430S, P1425S.
Identifiers: ClinVar variation 2048130 (VCV002048130.4), dbSNP rs2542891094, ClinGen allele CA382746389.

ClinVar aggregate classification (germline): Uncertain significance (1 of 4 stars; one submission).

Conditions:
Nephronophthisis 15 (NPHP15). Identifiers: Orphanet 3156, MedGen C3541853, MONDO:0013917, OMIM 614845.

Submission:

Labcorp Genetics (formerly Invitae), Labcorp
Classification: Uncertain significance for Nephronophthisis 15. Last evaluated: 2023-12-14. Review status: criteria provided, single submitter. Criteria: Invitae Variant Classification Sherloc (09022015). Collection method: clinical testing. Allele origin: germline.
Comment: This sequence change replaces proline, which is neutral and non-polar, with serine, which is neutral and polar, at codon 1430 of the CEP164 protein (p.Pro1430Ser). This variant is not present in population databases (gnomAD no frequency). This variant has not been reported in the literature in individuals affected with CEP164-related conditions. ClinVar contains an entry for this variant (Variation ID: 2048130). Algorithms developed to predict the effect of missense changes on protein structure and function output the following: SIFT: "Not Available"; PolyPhen-2: "Benign"; Align-GVGD: "Not Available". The serine amino acid residue is found in multiple mammalian species, which suggests that this missense change does not adversely affect protein function. In summary, the available evidence is currently insufficient to determine the role of this variant in disease. Therefore, it has been classified as a Variant of Uncertain Significance.